The following is an entry in ClinVar:

ClinVar aggregate classification (germline): Uncertain significance (1 of 4 stars; one submission).

gnomAD v4.1: 18 of 1,610,836 alleles (0.0011%); highest among the groups gnomAD compares: Admixed American, 0.028%; no homozygotes.

Submission:

Labcorp Genetics (formerly Invitae), Labcorp
Classification: Uncertain significance. Last evaluated: 2020-11-23. Review status: criteria provided, single submitter. Criteria: Invitae Variant Classification Sherloc (09022015). Collection method: clinical testing. Allele origin: germline.
Comment: In summary, the available evidence is currently insufficient to determine the role of this variant in disease. Therefore, it has been classified as a Variant of Uncertain Significance. Algorithms developed to predict the effect of missense changes on protein structure and function are either unavailable or do not agree on the potential impact of this missense change (SIFT: "Tolerated"; PolyPhen-2: "Possibly Damaging"; Align-GVGD: "Class C0"). This variant has not been reported in the literature in individuals with PDE10A-related conditions. This variant is present in population databases (rs111737394, ExAC 0.05%). This sequence change replaces histidine with glutamine at codon 429 of the PDE10A protein (p.His429Gln). The histidine residue is highly conserved and there is a small physicochemical difference between histidine and glutamine.

NM_001385079.1(PDE10A):c.2085T>A (p.His695Gln)

Gene: PDE10A (phosphodiesterase 10A; minus strand). Cytogenetic location: 6q27.
Variant type: single nucleotide variant.
Coding change: c.2085T>A on transcript NM_001385079.1 (MANE Select); coding-DNA position 2085, T replaced by A.
Protein change: p.His695Gln; replaces histidine 695 with glutamine.
Molecular consequence: missense variant.
Genome position (GRCh38, 1-based): chr6:165,396,451, A>T on the plus strand (T>A on the coding strand, the complement: PDE10A is on the minus strand). VCF-style: chr6-165396451-A-T. GRCh37 (hg19) VCF-style: chr6-165809940-A-T.
Other names: c.1287T>A, p.His429Gln (NM_001130690.3); c.1257T>A, p.His419Gln (NM_006661.4); short protein forms H429Q, H695Q, H419Q.
Identifiers: ClinVar variation 1469322 (VCV001469322.8), dbSNP rs111737394, ClinGen allele CA4092197.